The following is an entry in ClinVar:

ClinVar aggregate classification (germline): Uncertain significance (1 of 4 stars; one submission).

Conditions:
Hypertrophic cardiomyopathy 14. Identifiers: MedGen C2750467, MONDO:0013197, OMIM 613251.

Submission:

Labcorp Genetics (formerly Invitae), Labcorp
Classification: Uncertain significance for Hypertrophic cardiomyopathy 14. Last evaluated: 2022-11-28. Review status: criteria provided, single submitter. Criteria: Invitae Variant Classification Sherloc (09022015). Collection method: clinical testing. Allele origin: germline.
Comment: This sequence change replaces threonine, which is neutral and polar, with alanine, which is neutral and non-polar, at codon 667 of the MYH6 protein (p.Thr667Ala). This variant is not present in population databases (gnomAD no frequency). This variant has not been reported in the literature in individuals affected with MYH6-related conditions. Advanced modeling of protein sequence and biophysical properties (such as structural, functional, and spatial information, amino acid conservation, physicochemical variation, residue mobility, and thermodynamic stability) performed at Invitae indicates that this missense variant is expected to disrupt MYH6 protein function. In summary, the available evidence is currently insufficient to determine the role of this variant in disease. Therefore, it has been classified as a Variant of Uncertain Significance.

NM_002471.4(MYH6):c.1999A>G (p.Thr667Ala)

Gene: MYH6 (myosin heavy chain 6; minus strand). Cytogenetic location: 14q11.2.
Variant type: single nucleotide variant.
Coding change: c.1999A>G on transcript NM_002471.4 (MANE Select); coding-DNA position 1999, A replaced by G.
Protein change: p.Thr667Ala; replaces threonine 667 with alanine.
Molecular consequence: missense variant.
Genome position (GRCh38, 1-based): chr14:23,397,221, T>C on the plus strand (A>G on the coding strand, the complement: MYH6 is on the minus strand). VCF-style: chr14-23397221-T-C. GRCh37 (hg19) VCF-style: chr14-23866430-T-C.
Other names: short protein forms T667A.
Identifiers: ClinVar variation 2817133 (VCV002817133.3), dbSNP rs2502180352, ClinGen allele CA389019390.
Genomic context (GRCh38, chr14:23,397,221, plus strand): 5'-CTGGCTCACCTGGAGCCTTCCGCTCATTGGGGATGATGCAACGCACAAAGTGAGGATGGG[T>C]GGTCCTCAGGTTGGTCATTAGCTTGTTGAGATTTTCCTGGAGGCAGATGAAGGTGGGGAG-3'
Protein context (NP_002462.2, residues 657-677): LNKLMTNLRT[Thr667Ala]HPHFVRCIIP